The following is an entry in ClinVar:

NM_006767.4(LZTR1):c.1261-3C>G

Gene: LZTR1 (leucine zipper like post translational regulator 1; plus strand). Cytogenetic location: 22q11.21.
Variant type: single nucleotide variant.
Coding change: c.1261-3C>G on transcript NM_006767.4 (MANE Select); 3 bases into the intron before coding-DNA position 1261, C replaced by G.
Molecular consequence: intron variant.
Genome position (GRCh38, 1-based): chr22:20,993,659, C>G. VCF-style: chr22-20993659-C-G. GRCh37 (hg19) VCF-style: chr22-21347948-C-G.
Other names: c.1261-3C>G (NM_006767.3).
Identifiers: ClinVar variation 2195914 (VCV002195914.5), dbSNP rs770882185, ClinGen allele CA10118795.

ClinVar aggregate classification (germline): Uncertain significance. Review status: criteria provided, multiple submitters, no conflicts (2 of 4 stars). 3 submissions from 3 submitters: Uncertain significance (3). Last evaluated 2023-12-13.

Conditions:
Cardiovascular phenotype. Identifiers: MedGen CN230736.
Hereditary cancer-predisposing syndrome. Also called: Hereditary neoplastic syndrome; Neoplastic Syndromes, Hereditary; Hereditary Cancer Syndrome; Tumor predisposition. Identifiers: Orphanet 140162, MedGen C0027672, MeSH D009386, MONDO:0015356.

Allele frequency attached by ClinVar (database versions not stated): TOPMed below 0.00001.
gnomAD v4.1: 2 of 1,612,512 alleles (0.00012%); highest among the groups gnomAD compares: Non-Finnish European, 0.00017%; no homozygotes.

Submissions (3):

Ambry Genetics
Classification: Uncertain significance for Cardiovascular phenotype; Hereditary cancer-predisposing syndrome. Last evaluated: 2023-12-13. Review status: criteria provided, single submitter. Criteria: Ambry Variant Classification Scheme 2023. Collection method: clinical testing. Allele origin: germline.
Comment: The c.1261-3C>G intronic variant results from a C to G substitution 3 nucleotides upstream from coding exon 12 in the LZTR1 gene. This nucleotide position is well conserved in available vertebrate species. In silico splice site analysis predicts that this alteration may weaken the native splice acceptor site and will result in the creation or strengthening of a novel splice acceptor site. Since supporting evidence is limited at this time, the clinical significance of this alteration remains unclear.

Revvity Omics, Revvity
Classification: Uncertain significance. Last evaluated: 2023-07-28. Review status: criteria provided, single submitter. Criteria: ACMG Guidelines, 2015. Collection method: clinical testing. Allele origin: germline.

Labcorp Genetics (formerly Invitae), Labcorp
Classification: Uncertain significance. Last evaluated: 2021-12-24. Review status: criteria provided, single submitter. Criteria: Invitae Variant Classification Sherloc (09022015). Collection method: clinical testing. Allele origin: germline.
Comment: This sequence change falls in intron 11 of the LZTR1 gene. It does not directly change the encoded amino acid sequence of the LZTR1 protein. It affects a nucleotide within the consensus splice site. This variant is present in population databases (rs770882185, gnomAD 0.002%). This variant has not been reported in the literature in individuals affected with LZTR1-related conditions. Variants that disrupt the consensus splice site are a relatively common cause of aberrant splicing (PMID: 17576681, 9536098). Algorithms developed to predict the effect of sequence changes on RNA splicing suggest that this variant may disrupt the consensus splice site. In summary, the available evidence is currently insufficient to determine the role of this variant in disease. Therefore, it has been classified as a Variant of Uncertain Significance.

Literature cited by the submitters: PubMed 17576681 (cited by Labcorp Genetics (formerly Invitae), Labcorp); PubMed 9536098 (cited by Labcorp Genetics (formerly Invitae), Labcorp).